The following is an entry in ClinVar:

NM_173660.5(DOK7):c.151C>A (p.Leu51Met)

Gene: DOK7 (docking protein 7; plus strand). Cytogenetic location: 4p16.3.
Variant type: single nucleotide variant.
Coding change: c.151C>A on transcript NM_173660.5 (MANE Select); coding-DNA position 151, C replaced by A.
Protein change: p.Leu51Met; replaces leucine 51 with methionine.
Molecular consequence: missense variant. On other transcripts: intron variant (1).
Genome position (GRCh38, 1-based): chr4:3,473,456, C>A. VCF-style: chr4-3473456-C-A. GRCh37 (hg19) VCF-style: chr4-3475183-C-A.
Other names: c.151C>A (NM_173660.4); c.151C>A, p.Leu51Met (NM_001164673.2, NM_001301071.2); c.100+9905C>A (NM_001363811.2); short protein forms L51M.
Identifiers: ClinVar variation 1419357 (VCV001419357.6), dbSNP rs761336523, ClinGen allele CA2828888.

ClinVar aggregate classification (germline): Uncertain significance. Review status: criteria provided, multiple submitters, no conflicts (2 of 4 stars). 2 submissions from 2 submitters: Uncertain significance (2). Last evaluated 2025-11-24.

Conditions:
Inborn genetic diseases. Identifiers: MedGen C0950123, MeSH D030342.
Congenital myasthenic syndrome 10. Also called: Myasthenia, limb-girdle, familial. Identifiers: Orphanet 590, MedGen C1850792, MONDO:0009690, OMIM 254300.
Fetal akinesia deformation sequence 1 (FADS1). Also called: Pena-Shokeir syndrome type I; Fetal akinesia sequence. Identifiers: Orphanet 994, MedGen C1276035, MONDO:0100101, OMIM 208150, HP:0001989.

Allele frequency attached by ClinVar (database versions not stated): gnomAD exomes below 0.00001 and 0.00002; ExAC 0.00001; gnomAD 0.00001.
gnomAD v4.1: 23 of 1,610,958 alleles (0.0014%); highest among the groups gnomAD compares: Non-Finnish European, 0.0019%; no homozygotes.

Submissions (2):

Ambry Genetics
Classification: Uncertain significance for Inborn genetic diseases. Last evaluated: 2025-11-24. Review status: criteria provided, single submitter. Criteria: Ambry Variant Classification Scheme 2023. Collection method: clinical testing. Allele origin: germline.

Labcorp Genetics (formerly Invitae), Labcorp
Classification: Uncertain significance for Congenital myasthenic syndrome 10; Fetal akinesia deformation sequence 1. Last evaluated: 2022-03-31. Review status: criteria provided, single submitter. Criteria: Invitae Variant Classification Sherloc (09022015). Collection method: clinical testing. Allele origin: germline.
Comment: This sequence change replaces leucine, which is neutral and non-polar, with methionine, which is neutral and non-polar, at codon 51 of the DOK7 protein (p.Leu51Met). This variant is present in population databases (rs761336523, gnomAD 0.002%). This variant has not been reported in the literature in individuals affected with DOK7-related conditions. Algorithms developed to predict the effect of missense changes on protein structure and function output the following: SIFT: "Tolerated"; PolyPhen-2: "Benign"; Align-GVGD: "Class C0". The methionine amino acid residue is found in multiple mammalian species, which suggests that this missense change does not adversely affect protein function. In summary, the available evidence is currently insufficient to determine the role of this variant in disease. Therefore, it has been classified as a Variant of Uncertain Significance.